The following is an entry in ClinVar:

ClinVar aggregate classification (germline): Uncertain significance (1 of 4 stars; one submission).

Allele frequency attached by ClinVar (database versions not stated): TOPMed below 0.00001; gnomAD exomes 0.00001; ExAC 0.00002.
gnomAD v4.1: 3 of 1,613,740 alleles (0.00019%); highest among the groups gnomAD compares: East Asian, 0.0067%; no homozygotes.

Submission:

Ambry Genetics
Classification: Uncertain significance. Last evaluated: 2023-01-28. Review status: criteria provided, single submitter. Criteria: Ambry Variant Classification Scheme 2023. Collection method: clinical testing. Allele origin: germline.
Comment: The p.A3931V variant (also known as c.11792C>T), located in coding exon 83 of the PRKDC gene, results from a C to T substitution at nucleotide position 11792. The alanine at codon 3931 is replaced by valine, an amino acid with similar properties. This amino acid position is conserved. Since supporting evidence is limited at this time, the clinical significance of this alteration remains unclear.

NM_006904.7(PRKDC):c.11792C>T (p.Ala3931Val)

Gene: PRKDC (protein kinase, DNA-activated, catalytic subunit; minus strand). Cytogenetic location: 8q11.21.
Variant type: single nucleotide variant.
Coding change: c.11792C>T on transcript NM_006904.7 (MANE Select); coding-DNA position 11792, C replaced by T.
Protein change: p.Ala3931Val; replaces alanine 3931 with valine.
Molecular consequence: missense variant.
Genome position (GRCh38, 1-based): chr8:47,778,520, G>A on the plus strand (C>T on the coding strand, the complement: PRKDC is on the minus strand). VCF-style: chr8-47778520-G-A. GRCh37 (hg19) VCF-style: chr8-48691081-G-A.
Other names: c.11699C>T, p.Ala3900Val (NM_001081640.2); short protein forms A3900V, A3931V.
Identifiers: ClinVar variation 2497412 (VCV002497412.2), dbSNP rs755695409, ClinGen allele CA4738994.